The following is an entry in ClinVar:

NM_000339.2:c.(2951+1_2952-1)_(*1_?)del

Gene: SLC12A3 (solute carrier family 12 member 3; plus strand).
Variant type: Deletion.
Identifiers: ClinVar variation 988172 (VCV000988172.1).

ClinVar aggregate classification (germline): Pathogenic (0 of 4 stars; one submission).

Conditions:
Bartter syndrome. Identifiers: Orphanet 112, MedGen C0004775, MONDO:0015231.
Familial hypokalemia-hypomagnesemia (GTLMNS). Also called: POTASSIUM AND MAGNESIUM DEPLETION; HYPOMAGNESEMIA-HYPOKALEMIA, PRIMARY RENOTUBULAR, WITH HYPOCALCIURIA; gitelman syndrome. Identifiers: Orphanet 358, MedGen C0268450, MONDO:0009904, OMIM 263800.

Submission:

Sydney Genome Diagnostics, Children's Hospital Westmead
Classification: Pathogenic for Familial hypokalemia-hypomagnesemia; Bartter syndrome. Last evaluated: 2017-10-27. Review status: no assertion criteria provided. Collection method: clinical testing. Allele origin: unknown. Affected: yes. Observed: 1 variant allele, 1 compound heterozygote.
Comment: This deletion involves the last exon of the SLC12A3 and the extent of the deletion downstream of the 3' end of SLC12A3 is uncertain. Deletion of exon 26 has been reported in multiple patients with Gitelman syndrome (Vargas-Poussou et al. 2011 J Am Soc Nephrol 22: 693-703). This variant is considered to be pathogenic according to the ACMG guidelines.